The following is an entry in ClinVar:

NM_003185.4(TAF4):c.3160_3163del (p.Arg1054fs)

Gene: TAF4 (TATA-box binding protein associated factor 4; minus strand). Cytogenetic location: 20q13.33.
Variant type: Deletion.
Coding change: c.3160_3163del on transcript NM_003185.4 (MANE Select); coding-DNA positions 3160 to 3163, 4 bases deleted (AGAA; older notation c.3160_3163delAGAA).
Protein change: p.Arg1054fs; shifts the reading frame from arginine 1054.
Molecular consequence: frameshift variant.
Genome position (GRCh38, 1-based): chr20:61,976,263-61,976,266, TTCT deleted on the plus strand (AGAA on the coding strand, the reverse complement: TAF4 is on the minus strand); deleting any 4 consecutive bases within chr20:61,976,263-61,976,268 gives the same sequence; the c. name uses the placement nearest the transcript's 3' end. VCF-style (leftmost placement, unchanged base first): chr20-61976262-ATTCT-A. GRCh37 (hg19) VCF-style: chr20-60551318-ATTCT-A.
Other names: short protein forms R1054fs.
Identifiers: ClinVar variation 3773682 (VCV003773682.3).

ClinVar aggregate classification (germline): Likely pathogenic (1 of 4 stars; one submission).

Conditions:
Intellectual developmental disorder, autosomal dominant 73 (MRD73). Also called: TAF4-RELATED NDD; TAF4-RELATED NEURODEVELOPMENTAL DISORDER. Identifiers: MedGen C5830636, MONDO:0957536, OMIM 620450.

Submission:

Institute of Human Genetics, University of Leipzig Medical Center
Classification: Likely pathogenic for Intellectual developmental disorder, autosomal dominant 73. Last evaluated: 2025-02-27. Review status: criteria provided, single submitter. Criteria: ACMG Guidelines, 2015. Collection method: clinical testing. Allele origin: de novo. Inheritance: Autosomal dominant inheritance. Affected: yes.
Comment: Criteria applied: PVS1_MOD,PS2,PM2,PS4_SUP